The following is an entry in ClinVar:

NM_002103.5(GYS1):c.1279A>G (p.Met427Val)

Gene: GYS1 (glycogen synthase 1; minus strand). Cytogenetic location: 19q13.33.
Variant type: single nucleotide variant.
Coding change: c.1279A>G on transcript NM_002103.5 (MANE Select); coding-DNA position 1279, A replaced by G.
Protein change: p.Met427Val; replaces methionine 427 with valine.
Molecular consequence: missense variant. On other transcripts: non-coding transcript variant (1).
Genome position (GRCh38, 1-based): chr19:48,977,953, T>C on the plus strand (A>G on the coding strand, the complement: GYS1 is on the minus strand). VCF-style: chr19-48977953-T-C. GRCh37 (hg19) VCF-style: chr19-49481210-T-C.
Other names: c.1087A>G, p.Met363Val (NM_001161587.2); c.1279A>G (NM_002103.4); short protein forms M363V, M427V.
Identifiers: ClinVar variation 1017549 (VCV001017549.7), dbSNP rs746669628, ClinGen allele CA9563014.

ClinVar aggregate classification (germline): Uncertain significance. Review status: criteria provided, multiple submitters, no conflicts (2 of 4 stars). 2 submissions from 2 submitters: Uncertain significance (2). Last evaluated 2025-01-20.

Conditions:
Inborn genetic diseases. Identifiers: MedGen C0950123, MeSH D030342.
Glycogen storage disease due to muscle and heart glycogen synthase deficiency. Also called: GSD 0b; MUSCLE GLYCOGEN SYNTHASE DEFICIENCY. Identifiers: Orphanet 137625, MedGen C1969054, MONDO:0012693, OMIM 611556.

Allele frequency attached by ClinVar (database versions not stated): gnomAD exomes 0.00001 and 0.00003; ExAC 0.00002; TOPMed 0.00002; gnomAD 0.00003 and 0.00004.
gnomAD v4.1: 43 of 1,613,876 alleles (0.0027%); highest among the groups gnomAD compares: African/African-American, 0.004%; no homozygotes.

Submissions (2):

Ambry Genetics
Classification: Uncertain significance for Inborn genetic diseases. Last evaluated: 2025-01-20. Review status: criteria provided, single submitter. Criteria: Ambry Variant Classification Scheme 2023. Collection method: clinical testing. Allele origin: germline.

Labcorp Genetics (formerly Invitae), Labcorp
Classification: Uncertain significance for Glycogen storage disease due to muscle and heart glycogen synthase deficiency. Last evaluated: 2021-09-01. Review status: criteria provided, single submitter. Criteria: Invitae Variant Classification Sherloc (09022015). Collection method: clinical testing. Allele origin: germline.
Comment: This sequence change replaces methionine with valine at codon 427 of the GYS1 protein (p.Met427Val). The methionine residue is moderately conserved and there is a small physicochemical difference between methionine and valine. This variant is present in population databases (rs746669628, ExAC 0.02%). This variant has not been reported in the literature in individuals affected with GYS1-related conditions. Algorithms developed to predict the effect of missense changes on protein structure and function (SIFT, PolyPhen-2, Align-GVGD) all suggest that this variant is likely to be tolerated. In summary, the available evidence is currently insufficient to determine the role of this variant in disease. Therefore, it has been classified as a Variant of Uncertain Significance.